The following is an entry in ClinVar:

NM_000170.3(GLDC):c.2755T>A (p.Phe919Ile)

Gene: GLDC (glycine decarboxylase; minus strand). Cytogenetic location: 9p24.1.
Variant type: single nucleotide variant.
Coding change: c.2755T>A on transcript NM_000170.3 (MANE Select); coding-DNA position 2755, T replaced by A.
Protein change: p.Phe919Ile; replaces phenylalanine 919 with isoleucine.
Molecular consequence: missense variant.
Genome position (GRCh38, 1-based): chr9:6,536,147, A>T on the plus strand (T>A on the coding strand, the complement: GLDC is on the minus strand). VCF-style: chr9-6536147-A-T. GRCh37 (hg19) VCF-style: chr9-6536147-A-T.
Other names: short protein forms F919I.
Identifiers: ClinVar variation 861636 (VCV000861636.11), dbSNP rs1817122724, ClinGen allele CA372882674.
Genomic context (GRCh38, chr9:6,536,147, plus strand): 5'-CGATGCGGCCCTCCTCAATGTCAGCAATTTCCTGCCGAATGCTGATCATGGCATCACAGA[A>T]TCTGTCCAGCTCTGCCTTGTCCTCCGACTCAGTGGGCTCCACCATGAGGGTCCCTGCCAC-3'
Protein context (NP_000161.2, residues 909-929): ESEDKAELDR[Phe919Ile]CDAMISIRQE

ClinVar aggregate classification (germline): Conflicting classifications of pathogenicity. Review status: criteria provided, conflicting classifications (1 of 4 stars). 2 submissions from 2 submitters: Pathogenic (1); Uncertain significance (1). Last evaluated 2026-03-25.

Conditions:
Glycine encephalopathy 1 (GCE1). Identifiers: MedGen CN376801, MONDO:0958179, OMIM 605899.
Glycine encephalopathy. Also called: Nonketotic hyperglycinemia; Non-ketotic hyperglycinemia. Identifiers: Orphanet 407, MedGen C0751748, MONDO:0011612, HP:0008288.

Submissions (2):

Myriad Genetics, Inc.
Classification: Uncertain significance for Glycine encephalopathy 1. Last evaluated: 2026-03-25. Review status: criteria provided, single submitter. Criteria: Myriad Autosomal Dominant, Autosomal Recessive and X-Linked Classification Criteria (2023). Collection method: clinical testing. Allele origin: unknown.
Comment: NM_000170.2(GLDC):c.2755T>A(F919I) is a missense variant classified as a variant of uncertain significance in the context of glycine encephalopathy, GLDC-related. F919I has been observed in cases with relevant disease (PMID: 27362913, 24731848). Relevant functional assessments of this variant are available in the literature (PMID: 29239742). F919I has not been observed in referenced population frequency databases. In summary, there is insufficient evidence to classify NM_000170.2(GLDC):c.2755T>A(F919I) as pathogenic or benign. Please note: this variant was assessed in the context of healthy population screening.

Labcorp Genetics (formerly Invitae), Labcorp
Classification: Pathogenic for Glycine encephalopathy. Last evaluated: 2024-02-29. Review status: criteria provided, single submitter. Criteria: Invitae Variant Classification Sherloc (09022015). Collection method: clinical testing. Allele origin: germline.
Comment: This sequence change replaces phenylalanine, which is neutral and non-polar, with isoleucine, which is neutral and non-polar, at codon 919 of the GLDC protein (p.Phe919Ile). This variant is not present in population databases (gnomAD no frequency). This missense change has been observed in individual(s) with nonketotic hyperglycinemia (PMID: 27362913). ClinVar contains an entry for this variant (Variation ID: 861636). Advanced modeling of protein sequence and biophysical properties (such as structural, functional, and spatial information, amino acid conservation, physicochemical variation, residue mobility, and thermodynamic stability) performed at Invitae indicates that this missense variant is not expected to disrupt GLDC protein function with a negative predictive value of 80%. Experimental studies have shown that this missense change affects GLDC function (PMID: 29239742). For these reasons, this variant has been classified as Pathogenic.

Literature cited by the submitters: PubMed 24731848 (cited by Myriad Genetics, Inc.); PubMed 27362913 (cited by Myriad Genetics, Inc. and Labcorp Genetics (formerly Invitae), Labcorp); PubMed 29239742 (cited by Myriad Genetics, Inc. and Labcorp Genetics (formerly Invitae), Labcorp).